The following is an entry in ClinVar:

NM_018699.4(PRDM5):c.310A>G (p.Asn104Asp)

Gene: PRDM5 (PR/SET domain 5; minus strand). Cytogenetic location: 4q27.
Variant type: single nucleotide variant.
Coding change: c.310A>G on transcript NM_018699.4 (MANE Select); coding-DNA position 310, A replaced by G.
Protein change: p.Asn104Asp; replaces asparagine 104 with aspartic acid.
Molecular consequence: missense variant.
Genome position (GRCh38, 1-based): chr4:120,821,336, T>C on the plus strand (A>G on the coding strand, the complement: PRDM5 is on the minus strand). VCF-style: chr4-120821336-T-C. GRCh37 (hg19) VCF-style: chr4-121742491-T-C.
Other names: c.310A>G, p.Asn104Asp (NM_001300823.2, NM_001300824.2, NM_001379104.1 and 1 more transcripts); short protein forms N104D.
Identifiers: ClinVar variation 1318611 (VCV001318611.4), dbSNP rs887320638, ClinGen allele CA105122207.

ClinVar aggregate classification (germline): Uncertain significance. Review status: criteria provided, multiple submitters, no conflicts (2 of 4 stars). 2 submissions from 2 submitters: Uncertain significance (2). Last evaluated 2026-08-31.

Conditions:
Cardiovascular phenotype. Identifiers: MedGen CN230736.

Allele frequency attached by ClinVar (database versions not stated): gnomAD exomes below 0.00001; TOPMed below 0.00001.
gnomAD v4.1: 2 of 1,613,932 alleles (0.00012%); highest among the groups gnomAD compares: Non-Finnish European, 0.00017%; no homozygotes.

Submissions (2):

Ambry Genetics
Classification: Uncertain significance for Cardiovascular phenotype. Last evaluated: 2026-08-31. Review status: criteria provided, single submitter. Criteria: Ambry Variant Classification Scheme 2023. Collection method: clinical testing. Allele origin: germline.
Comment: The p.N104D variant (also known as c.310A>G), located in coding exon 4 of the PRDM5 gene, results from an A to G substitution at nucleotide position 310. The asparagine at codon 104 is replaced by aspartic acid, an amino acid with highly similar properties. This amino acid position is conserved. In addition, the in silico prediction for this alteration is inconclusive. Based on the available evidence, the clinical significance of this variant remains unclear.

GeneDx
Classification: Uncertain significance. Last evaluated: 2019-07-12. Review status: criteria provided, single submitter. Criteria: GeneDx Variant Classification Process June 2021. Collection method: clinical testing. Allele origin: germline. Affected: yes.
Comment: Has not been previously published as pathogenic or benign to our knowledge; Not observed in large population cohorts (Lek et al., 2016); In silico analysis, which includes protein predictors and evolutionary conservation, supports that this variant does not alter protein structure/function